The following is an entry in ClinVar:

ClinVar aggregate classification (germline): Uncertain significance (1 of 4 stars; one submission).

Submission:

GeneDx
Classification: Uncertain significance. Last evaluated: 2024-11-25. Review status: criteria provided, single submitter. Criteria: GeneDx Variant Classification Process June 2021. Collection method: clinical testing. Allele origin: germline. Affected: yes.
Comment: Not observed at significant frequency in large population cohorts (gnomAD); In silico analysis indicates that this missense variant does not alter protein structure/function; Has not been previously published as pathogenic or benign to our knowledge

NM_001384140.1(PCDH15):c.1051G>C (p.Glu351Gln)

Gene: PCDH15 (protocadherin related 15; minus strand). Cytogenetic location: 10q21.1.
Variant type: single nucleotide variant.
Coding change: c.1051G>C on transcript NM_001384140.1 (MANE Select); coding-DNA position 1051, G replaced by C.
Protein change: p.Glu351Gln; replaces glutamic acid 351 with glutamine.
Molecular consequence: missense variant.
Genome position (GRCh38, 1-based): chr10:54,213,983, C>G on the plus strand (G>C on the coding strand, the complement: PCDH15 is on the minus strand). VCF-style: chr10-54213983-C-G. GRCh37 (hg19) VCF-style: chr10-55973743-C-G.
Other names: c.1066G>C, p.Glu356Gln (NM_001142763.2, NM_001142769.4, NM_001142771.2); c.1051G>C, p.Glu351Gln (NM_001142764.2, NM_001142765.2, NM_001142766.2 and 7 more transcripts); c.940G>C, p.Glu314Gln (NM_001142767.2); c.985G>C, p.Glu329Gln (NM_001142768.2, NM_001142773.2, NM_001354404.2); short protein forms E314Q, E329Q, E351Q, E356Q.
Identifiers: ClinVar variation 3900160 (VCV003900160.1).